The following is an entry in ClinVar:

NM_000264.5(PTCH1):c.1481C>T (p.Ser494Phe)

Gene: PTCH1 (patched 1; minus strand). Cytogenetic location: 9q22.32.
Variant type: single nucleotide variant.
Coding change: c.1481C>T on transcript NM_000264.5 (MANE Select); coding-DNA position 1481, C replaced by T.
Protein change: p.Ser494Phe; replaces serine 494 with phenylalanine.
Molecular consequence: missense variant. On other transcripts: non-coding transcript variant (1), intron variant (1).
Genome position (GRCh38, 1-based): chr9:95,477,569, G>A on the plus strand (C>T on the coding strand, the complement: PTCH1 is on the minus strand). VCF-style: chr9-95477569-G-A. GRCh37 (hg19) VCF-style: chr9-98239851-G-A.
Other names: c.1283C>T, p.Ser428Phe (NM_001083602.3); c.1478C>T, p.Ser493Phe (NM_001083603.3); c.1028C>T, p.Ser343Phe (NM_001083604.3, NM_001083605.3, NM_001083606.3 and 1 more transcripts); c.1347+486C>T (NM_001354918.2); short protein forms S428F, S493F, S343F, S494F.
Identifiers: ClinVar variation 2003194 (VCV002003194.4), dbSNP rs2118303338, ClinGen allele CA374118415.

ClinVar aggregate classification (germline): Uncertain significance (1 of 4 stars; one submission).

Conditions:
Gorlin syndrome. Also called: Basal cell nevus syndrome; Nevoid Basal Cell Carcinoma Syndrome. Identifiers: Orphanet 377, MedGen C0004779, MONDO:0007187.

Submission:

Labcorp Genetics (formerly Invitae), Labcorp
Classification: Uncertain significance for Gorlin syndrome. Last evaluated: 2022-06-29. Review status: criteria provided, single submitter. Criteria: Invitae Variant Classification Sherloc (09022015). Collection method: clinical testing. Allele origin: germline.
Comment: This variant is not present in population databases (gnomAD no frequency). This sequence change replaces serine, which is neutral and polar, with phenylalanine, which is neutral and non-polar, at codon 494 of the PTCH1 protein (p.Ser494Phe). This variant has not been reported in the literature in individuals affected with PTCH1-related conditions. Advanced modeling of protein sequence and biophysical properties (such as structural, functional, and spatial information, amino acid conservation, physicochemical variation, residue mobility, and thermodynamic stability) performed at Invitae indicates that this missense variant is not expected to disrupt PTCH1 protein function. In summary, the available evidence is currently insufficient to determine the role of this variant in disease. Therefore, it has been classified as a Variant of Uncertain Significance.